The following is an entry in ClinVar:

ClinVar aggregate classification (germline): Uncertain significance. Review status: criteria provided, multiple submitters, no conflicts (2 of 4 stars). 2 submissions from 2 submitters: Uncertain significance (2). Last evaluated 2025-08-11.

Conditions:
5-Oxoprolinase deficiency (OPLAHD). Also called: 5-OXOPROLINURIA DUE TO 5-OXOPROLINASE DEFICIENCY. Identifiers: Orphanet 33572, MedGen C0268525, MONDO:0009825, OMIM 260005, HP:0040142.

Allele frequency attached by ClinVar (database versions not stated): TOPMed 0.00002.
gnomAD v4.1: 26 of 1,612,208 alleles (0.0016%); highest among the groups gnomAD compares: Middle Eastern, 0.016%; no homozygotes.

Submissions (2):

Ambry Genetics
Classification: Uncertain significance. Last evaluated: 2025-08-11. Review status: criteria provided, single submitter. Criteria: Ambry Variant Classification Scheme 2023. Collection method: clinical testing. Allele origin: germline.

Labcorp Genetics (formerly Invitae), Labcorp
Classification: Uncertain significance for 5-Oxoprolinase deficiency. Last evaluated: 2022-03-14. Review status: criteria provided, single submitter. Criteria: Invitae Variant Classification Sherloc (09022015). Collection method: clinical testing. Allele origin: germline.
Comment: In summary, the available evidence is currently insufficient to determine the role of this variant in disease. Therefore, it has been classified as a Variant of Uncertain Significance. Algorithms developed to predict the effect of missense changes on protein structure and function output the following: SIFT: "Not Available"; PolyPhen-2: "Benign"; Align-GVGD: "Not Available". The glutamine amino acid residue is found in multiple mammalian species, which suggests that this missense change does not adversely affect protein function. This variant has not been reported in the literature in individuals affected with OPLAH-related conditions. This variant is present in population databases (no rsID available, gnomAD 0.004%). This sequence change replaces arginine, which is basic and polar, with glutamine, which is neutral and polar, at codon 845 of the OPLAH protein (p.Arg845Gln).

NM_017570.5(OPLAH):c.2534G>A (p.Arg845Gln)

Gene: OPLAH (5-oxoprolinase, ATP-hydrolysing; minus strand). Cytogenetic location: 8q24.3.
Variant type: single nucleotide variant.
Coding change: c.2534G>A on transcript NM_017570.5 (MANE Select); coding-DNA position 2534, G replaced by A.
Protein change: p.Arg845Gln; replaces arginine 845 with glutamine.
Molecular consequence: missense variant.
Genome position (GRCh38, 1-based): chr8:144,054,713, C>T on the plus strand (G>A on the coding strand, the complement: OPLAH is on the minus strand). VCF-style: chr8-144054713-C-T. GRCh37 (hg19) VCF-style: chr8-145109616-C-T.
Other names: c.2534G>A (NM_017570.3); short protein forms R845Q.
Identifiers: ClinVar variation 2061240 (VCV002061240.5), dbSNP rs782343821, ClinGen allele CA372544430.